The following is an entry in ClinVar:

ClinVar aggregate classification (germline): Uncertain significance (1 of 4 stars; one submission).

Submission:

Labcorp Genetics (formerly Invitae), Labcorp
Classification: Uncertain significance. Last evaluated: 2023-12-13. Review status: criteria provided, single submitter. Criteria: Invitae Variant Classification Sherloc (09022015). Collection method: clinical testing. Allele origin: germline.
Comment: This sequence change replaces serine, which is neutral and polar, with cysteine, which is neutral and slightly polar, at codon 589 of the FOXP1 protein (p.Ser589Cys). This variant is not present in population databases (gnomAD no frequency). This variant has not been reported in the literature in individuals affected with FOXP1-related conditions. Advanced modeling of protein sequence and biophysical properties (such as structural, functional, and spatial information, amino acid conservation, physicochemical variation, residue mobility, and thermodynamic stability) performed at Invitae indicates that this missense variant is not expected to disrupt FOXP1 protein function with a negative predictive value of 95%. In summary, the available evidence is currently insufficient to determine the role of this variant in disease. Therefore, it has been classified as a Variant of Uncertain Significance.

NM_001349338.3(FOXP1):c.1766C>G (p.Ser589Cys)

Gene: FOXP1 (forkhead box P1; minus strand). Cytogenetic location: 3p13.
Variant type: single nucleotide variant.
Coding change: c.1766C>G on transcript NM_001349338.3 (MANE Select); coding-DNA position 1766, C replaced by G.
Protein change: p.Ser589Cys; replaces serine 589 with cysteine.
Molecular consequence: missense variant. On other transcripts: non-coding transcript variant (2).
Genome position (GRCh38, 1-based): chr3:70,966,013, G>C on the plus strand (C>G on the coding strand, the complement: FOXP1 is on the minus strand). VCF-style: chr3-70966013-G-C. GRCh37 (hg19) VCF-style: chr3-71015164-G-C.
Other names: c.1763C>G, p.Ser588Cys (NM_001244808.3, NM_001349341.3); c.1814C>G, p.Ser605Cys (NM_001244810.2); c.1538C>G, p.Ser513Cys (NM_001244812.3); c.1466C>G, p.Ser489Cys (NM_001244813.3, NM_001244815.2, NM_001349342.3); c.1766C>G, p.Ser589Cys (NM_001244814.3, NM_001244816.2, NM_001349340.3 and 1 more transcripts); c.1463C>G, p.Ser488Cys (NM_001349337.2, NM_001349343.3, NM_001349344.3 and 1 more transcripts); short protein forms S489C, S488C, S589C, S513C, S588C, S605C.
Identifiers: ClinVar variation 2702656 (VCV002702656.3), dbSNP rs2544930420, ClinGen allele CA353489705.